The following is an entry in ClinVar:

NM_014319.5(LEMD3):c.2279T>C (p.Ile760Thr)

Gene: LEMD3 (LEM domain containing 3; plus strand). Cytogenetic location: 12q14.3.
Variant type: single nucleotide variant.
Coding change: c.2279T>C on transcript NM_014319.5 (MANE Select); coding-DNA position 2279, T replaced by C.
Protein change: p.Ile760Thr; replaces isoleucine 760 with threonine.
Molecular consequence: missense variant.
Genome position (GRCh38, 1-based): chr12:65,241,061, T>C. VCF-style: chr12-65241061-T-C. GRCh37 (hg19) VCF-style: chr12-65634841-T-C.
Other names: c.2276T>C, p.Ile759Thr (NM_001167614.2); c.2279T>C (NM_014319.4); short protein forms I759T, I760T.
Identifiers: ClinVar variation 2906998 (VCV002906998.5), dbSNP rs546005703, ClinGen allele CA6671177.

ClinVar aggregate classification (germline): Uncertain significance. Review status: criteria provided, multiple submitters, no conflicts (2 of 4 stars). 3 submissions from 3 submitters: Uncertain significance (3). Last evaluated 2026-01-07.

Conditions:
Inborn genetic diseases. Identifiers: MedGen C0950123, MeSH D030342.
Dermatofibrosis lenticularis disseminata (BOS). Also called: OSTEOPATHIA CONDENSANS DISSEMINATA; DERMATOFIBROSIS LENTICULARIS DISSEMINATA WITH OSTEOPOIKILOSIS; DERMATOOSTEOPOIKILOSIS. Identifiers: Orphanet 1306, MedGen C0265514, MONDO:0008157, OMIM 166700.

Allele frequency attached by ClinVar (database versions not stated): ExAC 0.00001; gnomAD 0.00001; TOPMed 0.00001.
gnomAD v4.1: 13 of 1,613,886 alleles (0.00081%); highest among the groups gnomAD compares: East Asian, 0.0089%; no homozygotes.

Submissions (3):

Labcorp Genetics (formerly Invitae), Labcorp
Classification: Uncertain significance. Last evaluated: 2026-01-07. Review status: criteria provided, single submitter. Criteria: Invitae Variant Classification Sherloc (09022015). Collection method: clinical testing. Allele origin: germline.
Comment: This sequence change replaces isoleucine, which is neutral and non-polar, with threonine, which is neutral and polar, at codon 760 of the LEMD3 protein (p.Ile760Thr). This variant is present in population databases (rs546005703, gnomAD 0.005%). This variant has not been reported in the literature in individuals affected with LEMD3-related conditions. ClinVar contains an entry for this variant (Variation ID: 2906998). Invitae Evidence Modeling of protein sequence and biophysical properties (such as structural, functional, and spatial information, amino acid conservation, physicochemical variation, residue mobility, and thermodynamic stability) indicates that this missense variant is not expected to disrupt LEMD3 protein function with a negative predictive value of 80%. In summary, the available evidence is currently insufficient to determine the role of this variant in disease. Therefore, it has been classified as a Variant of Uncertain Significance.

Ambry Genetics
Classification: Uncertain significance for Inborn genetic diseases. Last evaluated: 2025-12-08. Review status: criteria provided, single submitter. Criteria: Ambry Variant Classification Scheme 2023. Collection method: clinical testing. Allele origin: germline.

Department of Pathology and Laboratory Medicine, Sinai Health System
Classification: Uncertain significance for Dermatofibrosis lenticularis disseminata. Last evaluated: 2022-02-01. Review status: criteria provided, single submitter. Criteria: ACMG Guidelines, 2015. Collection method: research. Allele origin: germline.